The following is an entry in ClinVar:

NM_002693.3(POLG):c.1607A>G (p.Glu536Gly)

Gene: POLG (DNA polymerase gamma, catalytic subunit; minus strand). Cytogenetic location: 15q26.1.
Variant type: single nucleotide variant.
Coding change: c.1607A>G on transcript NM_002693.3 (MANE Select); coding-DNA position 1607, A replaced by G.
Protein change: p.Glu536Gly; replaces glutamic acid 536 with glycine.
Molecular consequence: missense variant.
Genome position (GRCh38, 1-based): chr15:89,326,717, T>C on the plus strand (A>G on the coding strand, the complement: POLG is on the minus strand). VCF-style: chr15-89326717-T-C. GRCh37 (hg19) VCF-style: chr15-89869948-T-C.
Other names: c.1607A>G, p.Glu536Gly (NM_001126131.2); short protein forms E536G.
Identifiers: ClinVar variation 655946 (VCV000655946.6), dbSNP rs1596357858, ClinGen allele CA393760640.
Genomic context (GRCh38, chr15:89,326,717, plus strand): 5'-GTGGTCCCCTTCAGCTTCTGCAAGCAGGCGCGGGCCATGACATCTTGTTGAAACTCCTCC[T>C]CCTCACTGCAGGGGCCGAGGTCTGTGAGGGTGGGGGAAGACAATCAGGAGCAGGAGAAGG-3'
Protein context (NP_002684.1, residues 526-546): DQEDLGPCSE[Glu536Gly]EEFQQDVMAR

ClinVar aggregate classification (germline): Uncertain significance (1 of 4 stars; one submission).

Conditions:
Progressive sclerosing poliodystrophy (MTDPS4A). Also called: ALPERS PROGRESSIVE INFANTILE POLIODYSTROPHY; ALPERS DIFFUSE DEGENERATION OF CEREBRAL GRAY MATTER WITH HEPATIC CIRRHOSIS; Alpers-Huttenlocher Syndrome; Mitochondrial DNA depletion syndrome 4A (Alpers type); Alpers-Huttenlocher Syndrome (AHS); NEURONAL DEGENERATION OF CHILDHOOD WITH LIVER DISEASE, PROGRESSIVE. Identifiers: Orphanet 726, MedGen C0205710, MONDO:0008758, OMIM 203700.

Submission:

Labcorp Genetics (formerly Invitae), Labcorp
Classification: Uncertain significance for Progressive sclerosing poliodystrophy. Last evaluated: 2021-08-27. Review status: criteria provided, single submitter. Criteria: Invitae Variant Classification Sherloc (09022015). Collection method: clinical testing. Allele origin: germline.
Comment: This sequence change replaces glutamic acid with glycine at codon 536 of the POLG protein (p.Glu536Gly). The glutamic acid residue is highly conserved and there is a moderate physicochemical difference between glutamic acid and glycine. This variant is not present in population databases (ExAC no frequency). This variant has not been reported in the literature in individuals affected with POLG-related conditions. Algorithms developed to predict the effect of missense changes on protein structure and function are either unavailable or do not agree on the potential impact of this missense change (SIFT: "Deleterious"; PolyPhen-2: "Possibly Damaging"; Align-GVGD: "Class C0"). In summary, the available evidence is currently insufficient to determine the role of this variant in disease. Therefore, it has been classified as a Variant of Uncertain Significance.